The following is an entry in ClinVar:

Conditions:
Long QT syndrome 5 (LQT5). Identifiers: Orphanet 101016, Orphanet 768, MedGen C1867904, MONDO:0013372, OMIM 613695.

Submission:

Roden Lab, Vanderbilt University Medical Center
No classification provided (evidence only). Condition: Long QT syndrome 5. Review status: no classification provided. Collection method: in vitro. Allele origin: not applicable. Functional consequence: Effect on ion channel function.
ClinVar note: "not provided" was previously submitted as the classification for the variant. However, the classification appeared to be based only on an observation of functional data so it was converted to no classification on 2025-07-30.

NM_000219.6(KCNE1):c.133C>A (p.Leu45Ile)

Gene: KCNE1 (potassium voltage-gated channel subfamily E regulatory subunit 1; minus strand). Cytogenetic location: 21q22.12.
Variant type: single nucleotide variant.
Coding change: c.133C>A on transcript NM_000219.6 (MANE Select); coding-DNA position 133, C replaced by A.
Protein change: p.Leu45Ile; replaces leucine 45 with isoleucine.
Molecular consequence: missense variant.
Genome position (GRCh38, 1-based): chr21:34,449,502, G>T on the plus strand (C>A on the coding strand, the complement: KCNE1 is on the minus strand). VCF-style: chr21-34449502-G-T. GRCh37 (hg19) VCF-style: chr21-35821800-G-T.
Other names: c.133C>A, p.Leu45Ile (NM_001127668.4, NM_001127669.4, NM_001127670.4 and 4 more transcripts); short protein forms L45I.
Identifiers: ClinVar variation 3374133 (VCV003374133.2).
Genomic context (GRCh38, chr21:34,449,502, plus strand): 5'-AGCTCAGCATGATGCCCAGGGTGAAGAAGCCGAAGAATCCCAGTACCATGAGGACGTAGA[G>T]GGCCTCCAGCTTGCCGTCACTGCTGCGGGGGGACCTGCGGGCCAGGCCCGACATGTTGCC-3'
Protein context (NP_000210.2, residues 35-55): PRSSDGKLEA[Leu45Ile]YVLMVLGFFG